The following is an entry in ClinVar:

ClinVar aggregate classification (germline): Conflicting classifications of pathogenicity. Review status: criteria provided, conflicting classifications (1 of 4 stars). 2 submissions from 2 submitters: Uncertain significance (1); Likely benign (1). Last evaluated 2023-03-23.

Conditions:
Hereditary cancer-predisposing syndrome. Also called: Hereditary Cancer Syndrome; Neoplastic Syndromes, Hereditary; Tumor predisposition; Hereditary neoplastic syndrome. Identifiers: Orphanet 140162, MedGen C0027672, MeSH D009386, MONDO:0015356.

Submissions (2):

University of Washington Department of Laboratory Medicine, University of Washington
Classification: Likely benign for Hereditary cancer-predisposing syndrome. Last evaluated: 2023-03-23. Review status: criteria provided, single submitter. Criteria: Dines et al. (Genet Med. 2020). Collection method: curation. Allele origin: germline.
Comment: Missense variant in a coldspot region where missense variants are very unlikely to be pathogenic (PMID:31911673).

BRCA2 exon 11 coldspot. Reclassification based on statistical prior probability.

Ambry Genetics
Classification: Uncertain significance for Hereditary cancer-predisposing syndrome. Last evaluated: 2021-08-24. Review status: criteria provided, single submitter. Criteria: Ambry Variant Classification Scheme 2023. Collection method: clinical testing. Allele origin: germline.
Comment: The p.V1794I variant (also known as c.5380G>A), located in coding exon 10 of the BRCA2 gene, results from a G to A substitution at nucleotide position 5380. The valine at codon 1794 is replaced by isoleucine, an amino acid with highly similar properties. This amino acid position is not well conserved in available vertebrate species, and isoleucine is the reference amino acid in other vertebrate species. In addition, this alteration is predicted to be tolerated by in silico analysis. Since supporting evidence is limited at this time, the clinical significance of this alteration remains unclear.

NM_000059.4(BRCA2):c.5380G>A (p.Val1794Ile)

Gene: BRCA2 (BRCA2 DNA repair associated; plus strand). Cytogenetic location: 13q13.1.
Variant type: single nucleotide variant.
Coding change: c.5380G>A on transcript NM_000059.4 (MANE Select); coding-DNA position 5380, G replaced by A.
Protein change: p.Val1794Ile; replaces valine 1794 with isoleucine.
Molecular consequence: missense variant.
Genome position (GRCh38, 1-based): chr13:32,339,735, G>A. VCF-style: chr13-32339735-G-A. GRCh37 (hg19) VCF-style: chr13-32913872-G-A.
Other names: c.5380G>A, p.Val1794Ile (NM_001406719.1, NM_001406720.1); short protein forms V1794I.
Identifiers: ClinVar variation 1747177 (VCV001747177.4), dbSNP rs2072528163, ClinGen allele CA387785197.